The following is an entry in ClinVar:

NC_000005.10:g.112707407C>G

Gene: APC (APC regulator of Wnt signaling pathway; plus strand). Cytogenetic location: 5q22.2.
Variant type: single nucleotide variant.
Genome position: GRCh38 VCF-style: chr5-112707407-C-G. GRCh37 (hg19) VCF-style: chr5-112043104-C-G.
Identifiers: ClinVar variation 4730547 (VCV004730547.1).

ClinVar aggregate classification (germline): Uncertain significance (1 of 4 stars; one submission).

Conditions:
Familial adenomatous polyposis 1 (FAP1). Also called: FAMILIAL ADENOMATOUS POLYPOSIS 1, ATTENUATED; POLYPOSIS, ADENOMATOUS INTESTINAL. Identifiers: MedGen C2713442, MONDO:0021056, OMIM 175100. Disease mechanism: loss of function.

Submission:

Labcorp Genetics (formerly Invitae), Labcorp
Classification: Uncertain significance for Familial adenomatous polyposis 1. Last evaluated: 2025-11-05. Review status: criteria provided, single submitter. Criteria: Invitae Variant Classification Sherloc (09022015). Collection method: clinical testing. Allele origin: germline.
Comment: This variant occurs in a non-coding region of the APC gene. It does not change the encoded amino acid sequence of the APC protein. This variant is not present in population databases (gnomAD no frequency). This variant has not been reported in the literature in individuals affected with APC-related conditions. Experimental studies and prediction algorithms are not available or were not evaluated, and the functional significance of this variant is currently unknown. In summary, the available evidence is currently insufficient to determine the role of this variant in disease. Therefore, it has been classified as a Variant of Uncertain Significance.